The following is an entry in ClinVar:

NM_001365536.1(SCN9A):c.1685G>A (p.Arg562Lys)

Genes: SCN9A (sodium voltage-gated channel alpha subunit 9; minus strand), SCN1A-AS1 (SCN1A and SCN9A antisense RNA 1; plus strand). Cytogenetic location: 2q24.3.
Variant type: single nucleotide variant.
Coding change: c.1685G>A on transcript NM_001365536.1 (MANE Select); coding-DNA position 1685, G replaced by A.
Protein change: p.Arg562Lys; replaces arginine 562 with lysine.
Molecular consequence: missense variant.
Genome position (GRCh38, 1-based): chr2:166,284,742, C>T on the plus strand (G>A on the coding strand, the complement: SCN9A is on the minus strand). VCF-style: chr2-166284742-C-T. GRCh37 (hg19) VCF-style: chr2-167141252-C-T.
Other names: c.1685G>A, p.Arg562Lys (NM_002977.4); short protein forms R562K.
Identifiers: ClinVar variation 3751310 (VCV003751310.2).

ClinVar aggregate classification (germline): Uncertain significance (1 of 4 stars; one submission).

Conditions:
Neuropathy, hereditary sensory and autonomic, type 2A (HSAN2A). Also called: MORVAN DISEASE; NEUROPATHY, CONGENITAL SENSORY; NEUROPATHY, HEREDITARY SENSORY RADICULAR, AUTOSOMAL RECESSIVE; NEUROPATHY, HEREDITARY SENSORY, TYPE IIA; NEUROPATHY, PROGRESSIVE SENSORY, OF CHILDREN; ACROOSTEOLYSIS, GIACCAI TYPE. Identifiers: Orphanet 970, MedGen C2752089, MONDO:0024309, OMIM 201300.
Generalized epilepsy with febrile seizures plus, type 7 (GEFSP7). Also called: GEFS+, TYPE 7. Identifiers: Orphanet 36387, MedGen C2751778, MONDO:0013470, OMIM 613863.

Submission:

Labcorp Genetics (formerly Invitae), Labcorp
Classification: Uncertain significance for Neuropathy, hereditary sensory and autonomic, type 2A; Generalized epilepsy with febrile seizures plus, type 7. Last evaluated: 2024-07-22. Review status: criteria provided, single submitter. Criteria: Invitae Variant Classification Sherloc (09022015). Collection method: clinical testing. Allele origin: germline.
Comment: This sequence change replaces arginine, which is basic and polar, with lysine, which is basic and polar, at codon 562 of the SCN9A protein (p.Arg562Lys). This variant is not present in population databases (gnomAD no frequency). This variant has not been reported in the literature in individuals affected with SCN9A-related conditions. Advanced modeling of protein sequence and biophysical properties (such as structural, functional, and spatial information, amino acid conservation, physicochemical variation, residue mobility, and thermodynamic stability) performed at Invitae indicates that this missense variant is not expected to disrupt SCN9A protein function with a negative predictive value of 95%. In summary, the available evidence is currently insufficient to determine the role of this variant in disease. Therefore, it has been classified as a Variant of Uncertain Significance.